The following is an entry in ClinVar:

ClinVar aggregate classification (germline): Likely benign. Review status: criteria provided, single submitter (1 of 4 stars). 2 submissions from 2 submitters: Likely benign (1). 1 of the submissions does not count toward it. Last evaluated 2024-09-23.

Conditions:
SPTB-related disorder. Also called: SPTB-Related Disorders; SPTB-related condition.

Allele frequency attached by ClinVar (database versions not stated): gnomAD 0.00003.
gnomAD v4.1: 55 of 1,613,996 alleles (0.0034%); highest among the groups gnomAD compares: East Asian, 0.011%; no homozygotes.

Submissions (2):

Blueprint Genetics
Classification: Likely benign. Last evaluated: 2024-09-23. Review status: criteria provided, single submitter. Criteria: ACMG Guidelines, 2015. Collection method: clinical testing. Allele origin: germline.

PreventionGenetics, part of Exact Sciences
Classification: Likely benign for SPTB-related condition. Last evaluated: 2022-12-21. Review status: no assertion criteria provided. Collection method: clinical testing. Allele origin: germline. Not counted in ClinVar's aggregate classification.
Comment: This variant is classified as likely benign based on ACMG/AMP sequence variant interpretation guidelines (Richards et al. 2015 PMID: 25741868, with internal and published modifications).

NM_001355436.2(SPTB):c.3333C>T (p.Asp1111=)

Gene: SPTB (spectrin beta, erythrocytic; minus strand). Cytogenetic location: 14q23.3.
Variant type: single nucleotide variant.
Coding change: c.3333C>T on transcript NM_001355436.2 (MANE Select); coding-DNA position 3333, C replaced by T.
Protein change: p.Asp1111=; no amino-acid change (aspartic acid 1111 retained).
Molecular consequence: synonymous variant.
Genome position (GRCh38, 1-based): chr14:64,786,632, G>A on the plus strand (C>T on the coding strand, the complement: SPTB is on the minus strand). VCF-style: chr14-64786632-G-A. GRCh37 (hg19) VCF-style: chr14-65253350-G-A.
Other names: c.3333C>T, p.Asp1111= (NM_001024858.4, NM_001355437.2).
Identifiers: ClinVar variation 3036571 (VCV003036571.3), dbSNP rs139214218, ClinGen allele CA7230655.